The following is an entry in ClinVar:

ClinVar aggregate classification (germline): Likely benign (1 of 4 stars; one submission).

Allele frequency attached by ClinVar (database versions not stated): TOPMed 0.00164; gnomAD 0.00167; gnomAD exomes 0.00178; ExAC 0.00227; 1000 Genomes Project 30x 0.00265; 1000 Genomes Project 0.00439.
gnomAD v4.1: 2,822 of 1,609,672 alleles (0.18%); highest among the groups gnomAD compares: East Asian, 0.34%; 28 homozygotes.

Submission:

CeGaT Center for Human Genetics Tuebingen
Classification: Likely benign. Last evaluated: 2026-08-01. Review status: criteria provided, single submitter. Criteria: CeGaT Center For Human Genetics Tuebingen Variant Classification Criteria Version 2. Collection method: clinical testing. Allele origin: germline. Affected: yes. Observed: 4 variant alleles.
Comment: TUBA3D: BP4, BP7, BS2

NM_080386.4(TUBA3D):c.867C>T (p.Ala289=)

Genes: MZT2A (mitotic spindle organizing protein 2A; minus strand), TUBA3D (tubulin alpha 3d; plus strand). Cytogenetic location: 2q21.1.
Variant type: single nucleotide variant.
Coding change: c.867C>T on transcript NM_080386.4 (MANE Select); coding-DNA position 867, C replaced by T.
Protein change: p.Ala289=; no amino-acid change (alanine 289 retained).
Molecular consequence: synonymous variant.
Genome position (GRCh38, 1-based): chr2:131,480,560, C>T. VCF-style: chr2-131480560-C-T. GRCh37 (hg19) VCF-style: chr2-132238133-C-T.
Identifiers: ClinVar variation 3024875 (VCV003024875.22), dbSNP rs554719635, ClinGen allele CA1878087.
Genomic context (GRCh38, chr2:131,480,560, plus strand): 5'-GGCCACCTATGCCCCAGTCATCTCAGCTGAGAAGGCCTACCACGAGCAGCTGTCTGTGGC[C>T]GAGATCACCAATGCCTGCTTCGAGCCAGCCAATCAAATGGTCAAGTGTGACCCTCGCCAC-3'
Protein context (NP_525125.2, residues 279-299): EKAYHEQLSV[Ala289=]EITNACFEPA